The following is an entry in ClinVar:

ClinVar aggregate classification (germline): Pathogenic (1 of 4 stars; one submission).

Conditions:
Inborn genetic diseases. Identifiers: MedGen C0950123, MeSH D030342.

Submission:

Ambry Genetics
Classification: Pathogenic for Inborn genetic diseases. Last evaluated: 2020-11-10. Review status: criteria provided, single submitter. Criteria: Ambry Variant Classification Scheme 2023. Collection method: clinical testing. Allele origin: germline.
Comment: The c.2946dupC (p.G983Rfs*6) alteration, located in coding exon 4 of the PRR12 gene, consists of a duplication of C at position 2946, causing a translational frameshift with a predicted alternate stop codon after 6 amino acids. This alteration is expected to result in loss of function by premature protein truncation or nonsense-mediated mRNA decay. Based on data from the Genome Aggregation Database (gnomAD), the PRR12 c.2946dupC alteration was not observed, with coverage at this position. Based on the available evidence, this alteration is classified as pathogenic.

NM_020719.3(PRR12):c.2946dup (p.Gly983fs)

Gene: PRR12 (proline rich 12; plus strand). Cytogenetic location: 19q13.33.
Variant type: Duplication.
Coding change: c.2946dup on transcript NM_020719.3 (MANE Select); coding-DNA position 2946, one base duplicated (C; older notation c.2946dupC).
Protein change: p.Gly983fs; shifts the reading frame from glycine 983.
Molecular consequence: frameshift variant.
Genome position (GRCh38, 1-based): chr19:49,597,281, C duplicated; the last of 6 consecutive C bases (chr19:49,597,276-49,597,281); duplicating any one gives the same sequence. VCF-style (leftmost placement, unchanged base first): chr19-49597275-A-AC. GRCh37 (hg19) VCF-style: chr19-50100532-A-AC.
Other names: short protein forms G983fs.
Identifiers: ClinVar variation 2227865 (VCV002227865.2), dbSNP rs758401922, ClinGen allele CA2580097569.
Genomic context (GRCh38, chr19:49,597,275, plus strand): 5'-CGACTACGGCAAGGCCGGGCCACCTGAGGACGAGGGGGACCCCAAGGCTGGCGCTGGGCC[A>AC]CCCCCCGGCCCCCCTGCTTATGATCCCTATGGGCCCTACTGTCCTGGCCGGGCGTCGGGA-3'